The following is an entry in ClinVar:

NM_004006.3(DMD):c.5448+67A>G

Gene: DMD (dystrophin; minus strand). Cytogenetic location: Xp21.1.
Variant type: single nucleotide variant.
Coding change: c.5448+67A>G on transcript NM_004006.3 (MANE Select); 67 bases into the intron after coding-DNA position 5448, A replaced by G.
Molecular consequence: intron variant.
Genome position (GRCh38, 1-based): chrX:32,348,339, T>C on the plus strand (A>G on the coding strand, the complement: DMD is on the minus strand). VCF-style: chrX-32348339-T-C. GRCh37 (hg19) VCF-style: chrX-32366456-T-C.
Other names: c.5448+67A>G (NM_004006.2); c.5424+67A>G (NM_000109.4); c.1425+67A>G (NM_004011.4); c.1416+67A>G (NM_004012.4); c.5436+67A>G (NM_004009.3); c.5079+67A>G (NM_004010.3).
Identifiers: ClinVar variation 2571778 (VCV002571778.3), dbSNP rs72468626, ClinGen allele CA327985023.
Genomic context (GRCh38, chrX:32,348,339, plus strand): 5'-AAAATTCATTAGAATCATAAAATGTGTAATATGTGCTCTGAAAATTCAGTTGGAGACTTA[T>C]CTAAGTTCTTTCCAAATATTTATTTCCACTCCTAGTTCATTCACACTTTTATCACAACCA-3'

ClinVar aggregate classification (germline): Pathogenic/Likely pathogenic. Review status: criteria provided, multiple submitters, no conflicts (2 of 4 stars). 3 submissions from 3 submitters: Pathogenic (2); Likely pathogenic (1). Last evaluated 2024-04-23.

Conditions:
Becker muscular dystrophy (BMD). Also called: Becker Muscular Dystrophy (BMD); MUSCULAR DYSTROPHY, PSEUDOHYPERTROPHIC PROGRESSIVE, BECKER TYPE. Identifiers: Orphanet 98895, MedGen C0917713, MONDO:0010311, OMIM 300376.
Becker muscular dystrophy, Cardiomyopathy, Duchenne muscular dystrophy, Dystrophin deficiency.

Submissions (3):

Natera, Inc.
Classification: Pathogenic for Becker muscular dystrophy, Cardiomyopathy, Duchenne muscular dystrophy, Dystrophin deficiency. Last evaluated: 2024-04-23. Review status: criteria provided, single submitter. Criteria: Natera Variant Classification Schema (03/2026). Collection method: clinical testing. Allele origin: germline.
Comment: The c.5448+67A>G variant in DMD is an intronic variant located outside the canonical splice sites. This variant is rare in the general population with a frequency below the threshold expected for the associated phenotype(s). This variant has been observed in affected individual(s) with monoallelic occurrence (heterozygous/hemizygous) (PMID: 26284620, 32978268, 35165973, 35734998). Functional studies show that this variant may disrupt protein function (PMID: 35734998, 35165973, 32978268). Given the available evidence, this variant is classified as Pathogenic.

3billion
Classification: Pathogenic for Becker muscular dystrophy. Last evaluated: 2024-03-24. Review status: criteria provided, single submitter. Criteria: ACMG Guidelines, 2015. Collection method: clinical testing. Allele origin: germline. Affected: yes.
Comment: The variant is not observed in the gnomAD v4.0.0 dataset. Predicted Consequence/Location: Intron variant: previously reported to alter splicing and result in a loss of normal protein fucnction through nonsense-mediated decay (NMD) or protein truncation (PMID: 32978268, 35165973, 35734998). In silico tools predict the variant to alter splicing and produce an abnormal transcript [Splice AI: 0.83 (spliceogenicity >=0.2, non-spliceogenicity <0.1)]. Intron variant: previously reported to alter splicing and result in a loss of normal protein fucnction through nonsense-mediated decay (NMD) or protein truncation (PMID: 32978268, 35165973, 35734998). Therefore, this variant is classified as Pathogenic according to the recommendation of ACMG/AMP guideline.

GeneDx
Classification: Likely pathogenic. Last evaluated: 2023-01-05. Review status: criteria provided, single submitter. Criteria: GeneDx Variant Classification Process June 2021. Collection method: clinical testing. Allele origin: germline. Affected: yes.
Comment: Published RNA studies showed that the variant creates a novel splice site, which results in the inclusion of a 66 base pair pseudoexon and premature termination, which correlated to reduced dystrophin staining in muscle biopsy (Waldrop et al., 2022; Xie et al., 2021); This variant is associated with the following publications: (PMID: 32978268, 35734998, 35165973, 19937601)

Literature cited by the submitters: PubMed 26284620 (cited by Natera, Inc.); PubMed 32978268 (cited by Natera, Inc. and 3billion); PubMed 35165973 (cited by Natera, Inc. and 3billion); PubMed 35734998 (cited by Natera, Inc. and 3billion).